The following is an entry in ClinVar:

ClinVar aggregate classification (germline): Uncertain significance (1 of 4 stars; one submission).

Conditions:
Methylmalonic acidemia due to methylmalonyl-CoA epimerase deficiency. Also called: Methylmalonyl-CoA Epimerase Deficiency; METHYLMALONYL-CoA RACEMASE DEFICIENCY; METHYLMALONIC ACIDURIA III. Identifiers: Orphanet 308425, MedGen C1855100, MONDO:0009615, OMIM 251120.

Submission:

Labcorp Genetics (formerly Invitae), Labcorp
Classification: Uncertain significance for Methylmalonic acidemia due to methylmalonyl-CoA epimerase deficiency. Last evaluated: 2022-06-20. Review status: criteria provided, single submitter. Criteria: Invitae Variant Classification Sherloc (09022015). Collection method: clinical testing. Allele origin: germline.
Comment: A copy number gain of the genomic region encompassing the full coding sequence of the MCEE gene has been identified. The boundaries of this event are unknown as they extend beyond the assayed region for this gene and therefore may encompass additional genes. As the precise location of this event is unknown, it may be in tandem or it may be located elsewhere in the genome. This variant has not been reported in the literature in individuals affected with MCEE-related conditions. In summary, the available evidence is currently insufficient to determine the role of this variant in disease. Therefore, it has been classified as a Variant of Uncertain Significance.

NC_000002.11:g.(?_71337100)_(71357349_?)dup

Gene: MCEE (methylmalonyl-CoA epimerase; minus strand). Cytogenetic location: 2p13.3.
Variant type: Duplication.
Identifiers: ClinVar variation 1412587 (VCV001412587.4).